The following is an entry in ClinVar:

ClinVar aggregate classification (germline): Conflicting classifications of pathogenicity. Review status: criteria provided, conflicting classifications (1 of 4 stars). 6 submissions from 6 submitters: Uncertain significance (5); Likely benign (1). Last evaluated 2026-08-25.

Conditions:
Hereditary breast ovarian cancer syndrome. Also called: Hereditary breast and/or ovarian cancer syndrome; BRCA1- and BRCA2-Associated Hereditary Breast and Ovarian Cancer; Hereditary breast and ovarian cancer syndrome; Breast and ovarian cancer; Hereditary breast and ovarian cancer; Hereditary breast and ovarian cancer syndrome (HBOC). Identifiers: Orphanet 145, MedGen C0677776, MeSH D061325, MONDO:0003582. Disease mechanism: loss of function.
Hereditary cancer-predisposing syndrome. Also called: Neoplastic Syndromes, Hereditary; Hereditary neoplastic syndrome; Hereditary Cancer Syndrome; Tumor predisposition. Identifiers: Orphanet 140162, MedGen C0027672, MeSH D009386, MONDO:0015356.

Allele frequency attached by ClinVar (database versions not stated): gnomAD exomes below 0.00001; TOPMed below 0.00001.
gnomAD v4.1: 1 of 1,613,826 alleles (0.000062%); highest among the groups gnomAD compares: Non-Finnish European, 0.000085%; no homozygotes.

Submissions (6):

Ambry Genetics
Classification: Uncertain significance for Hereditary cancer-predisposing syndrome. Last evaluated: 2026-08-25. Review status: criteria provided, single submitter. Criteria: Ambry Variant Classification Scheme 2023. Collection method: clinical testing. Allele origin: germline.
Comment: The p.Q1090R variant (also known as c.3269A>G), located in coding exon 9 of the BRCA1 gene, results from an A to G substitution at nucleotide position 3269. The glutamine at codon 1090 is replaced by arginine, an amino acid with highly similar properties. This amino acid position is highly conserved in available vertebrate species. In addition, the in silico prediction for this alteration is inconclusive. Based on the available evidence, the clinical significance of this variant remains unclear.

Color Diagnostics, LLC DBA Color Health
Classification: Uncertain significance for Hereditary cancer-predisposing syndrome. Last evaluated: 2025-07-23. Review status: criteria provided, single submitter. Criteria: ACMG Guidelines, 2015. Collection method: clinical testing. Allele origin: germline.
Comment: This missense variant replaces glutamine with arginine at codon 1090 of the BRCA1 protein. Computational prediction suggests that this variant may have deleterious impact on protein structure and function. To our knowledge, functional studies have not been reported for this variant. This variant has been reported in an individual affected with breast or ovarian cancer (PMID: 34572941), and it has been detected in a breast cancer case-control meta-analysis in 1/60466 cases and 0/53461 unaffected individuals (PMID: 33471991Leiden Open Variation Database DB-ID BRCA1_006336). This variant has not been identified in the general population by the Genome Aggregation Database (gnomAD). The available evidence is insufficient to determine the role of this variant in disease conclusively. Therefore, this variant is classified as a Variant of Uncertain Significance.

Labcorp Genetics (formerly Invitae), Labcorp
Classification: Uncertain significance for Hereditary breast ovarian cancer syndrome. Last evaluated: 2025-07-14. Review status: criteria provided, single submitter. Criteria: Invitae Variant Classification Sherloc (09022015). Collection method: clinical testing. Allele origin: germline.
Comment: This sequence change replaces glutamine, which is neutral and polar, with arginine, which is basic and polar, at codon 1090 of the BRCA1 protein (p.Gln1090Arg). This variant is not present in population databases (gnomAD no frequency). This variant has not been reported in the literature in individuals affected with BRCA1-related conditions. ClinVar contains an entry for this variant (Variation ID: 462606). Invitae Evidence Modeling of protein sequence and biophysical properties (such as structural, functional, and spatial information, amino acid conservation, physicochemical variation, residue mobility, and thermodynamic stability) indicates that this missense variant is expected to disrupt BRCA1 protein function with a positive predictive value of 80%. In summary, the available evidence is currently insufficient to determine the role of this variant in disease. Therefore, it has been classified as a Variant of Uncertain Significance.

University of Washington Department of Laboratory Medicine, University of Washington
Classification: Likely benign for Hereditary cancer-predisposing syndrome. Last evaluated: 2023-03-23. Review status: criteria provided, single submitter. Criteria: Dines et al. (Genet Med. 2020). Collection method: curation. Allele origin: germline.
Comment: Missense variant in a coldspot region where missense variants are very unlikely to be pathogenic (PMID:31911673).

BRCA1 coldspot (exon 11 using historical exon numbering). Reclassification based on statistical prior probability

Women's Health and Genetics/Laboratory Corporation of America, LabCorp
Classification: Uncertain significance. Last evaluated: 2022-04-23. Review status: criteria provided, single submitter. Criteria: LabCorp Variant Classification Summary - May 2015. Collection method: clinical testing. Allele origin: germline.
Comment: Variant summary: BRCA1 c.3269A>G (p.Gln1090Arg) results in a conservative amino acid change in the encoded protein sequence. Four of five in-silico tools predict a benign effect of the variant on protein function. The variant was absent in 250594 control chromosomes. The available data on variant occurrences in the general population are insufficient to allow any conclusion about variant significance. c.3269A>G has been reported in the literature as a VUS in individuals affected with/undergoing testing for breast cancer (example, Patruno_2021). These report(s) do not provide unequivocal conclusions about association of the variant with Hereditary Breast And Ovarian Cancer Syndrome. To our knowledge, no experimental evidence demonstrating an impact on protein function has been reported. Two clinical diagnostic laboratories have submitted clinical-significance assessments for this variant to ClinVar after 2014 without evidence for independent evaluation. All laboratories classified the variant as uncertain significance. Based on the evidence outlined above, the variant was classified as uncertain significance.

GeneDx
Classification: Uncertain significance. Last evaluated: 2020-05-26. Review status: criteria provided, single submitter. Criteria: GeneDx Variant Classification Process June 2021. Collection method: clinical testing. Allele origin: germline. Affected: yes.
Comment: Not observed in large population cohorts (Lek 2016); In silico analysis supports that this missense variant has a deleterious effect on protein structure/function; Has not been previously published as pathogenic or benign to our knowledge; Also known as 3388A>G

Literature cited by the submitters: PubMed 33471991 (cited by Color Diagnostics, LLC DBA Color Health); PubMed 34572941 (cited by Color Diagnostics, LLC DBA Color Health and Women's Health and Genetics/Laboratory Corporation of America, LabCorp).

NM_007294.4(BRCA1):c.3269A>G (p.Gln1090Arg)

Genes: BRCA1 (BRCA1 DNA repair associated; minus strand), LOC126862571 (BRD4-independent group 4 enhancer GRCh37_chr17:41243136-41244335; plus strand). Cytogenetic location: 17q21.31.
Variant type: single nucleotide variant.
Coding change: c.3269A>G on transcript NM_007294.4 (MANE Select); coding-DNA position 3269, A replaced by G.
Protein change: p.Gln1090Arg; replaces glutamine 1090 with arginine.
Molecular consequence: missense variant. On other transcripts: intron variant (137).
Genome position (GRCh38, 1-based): chr17:43,092,262, T>C on the plus strand (A>G on the coding strand, the complement: BRCA1 is on the minus strand). VCF-style: chr17-43092262-T-C. GRCh37 (hg19) VCF-style: chr17-41244279-T-C.
Other names: c.3146A>G, p.Gln1049Arg (NM_001407677.1, NM_001407678.1, NM_001407679.1 and 19 more transcripts); c.3269A>G, p.Gln1090Arg (NM_001407684.1, NM_007300.4, NM_001407854.1 and 30 more transcripts); c.3143A>G, p.Gln1048Arg (NM_001407685.1, NM_001407686.1, NM_001407687.1 and 11 more transcripts); c.3128A>G, p.Gln1043Arg (NM_001407692.1, NM_001407694.1, NM_001407695.1 and 29 more transcripts); c.3125A>G, p.Gln1042Arg (NM_001407740.1, NM_001407741.1, NM_001407745.1 and 20 more transcripts); c.3056A>G, p.Gln1019Arg (NM_001407896.1, NM_001407897.1, NM_001407898.1 and 9 more transcripts); c.3059A>G, p.Gln1020Arg (NM_001407900.1, NM_001407902.1, NM_001407904.1 and 13 more transcripts); c.2936A>G, p.Gln979Arg (NM_001407946.1, NM_001407947.1, NM_001407948.1 and 6 more transcripts); and 41 more; short protein forms Q1090R, Q1043R, Q1001R, Q1022R, Q1023R, Q1064R, Q794R, Q978R.
Identifiers: ClinVar variation 462606 (VCV000462606.16), dbSNP rs1555588045, ClinGen allele CA10595450.